The following is an entry in ClinVar:

ClinVar aggregate classification (germline): Uncertain significance (1 of 4 stars; one submission).

Conditions:
PKD1-related disorder. Also called: PKD1-related condition.

gnomAD v4.1: 2 of 1,537,726 alleles (0.00013%); highest among the groups gnomAD compares: East Asian, 0.0024%; no homozygotes.

Submission:

PreventionGenetics, part of Exact Sciences
Classification: Uncertain significance for PKD1-related condition. Last evaluated: 2026-03-11. Review status: criteria provided, single submitter. Criteria: ACMG Guidelines, 2015. Collection method: clinical testing. Allele origin: germline.
Comment: The PKD1 c.11909G>A variant is predicted to result in the amino acid substitution p.Arg3970His. To our knowledge, this variant has not been reported in the literature or in a large population database (gnomAD), indicating this variant is rare. At this time, the clinical significance of this variant is uncertain due to the absence of conclusive functional and genetic evidence.

NM_001009944.3(PKD1):c.11909G>A (p.Arg3970His)

Gene: PKD1 (polycystin 1, transient receptor potential channel interacting; minus strand). Cytogenetic location: 16p13.3.
Variant type: single nucleotide variant.
Coding change: c.11909G>A on transcript NM_001009944.3 (MANE Select); coding-DNA position 11909, G replaced by A.
Protein change: p.Arg3970His; replaces arginine 3970 with histidine.
Molecular consequence: missense variant.
Genome position (GRCh38, 1-based): chr16:2,090,978, C>T on the plus strand (G>A on the coding strand, the complement: PKD1 is on the minus strand). VCF-style: chr16-2090978-C-T. GRCh37 (hg19) VCF-style: chr16-2140979-C-T.
Other names: c.11906G>A, p.Arg3969His (NM_000296.4); short protein forms R3969H, R3970H.
Identifiers: ClinVar variation 4995587 (VCV004995587.1).
Genomic context (GRCh38, chr16:2,090,978, plus strand): 5'-AGGCCACGGGCTGCGGAGCTCAGCTGCGCCACCTGGTCGAAGCTAGTGAAGCGGCGCGGG[C>T]GGCCGCGCACGAAACGGGTCCACTGGCGGTCAGCGGCACCCAGCTGGGCGAGGCGTACCA-3'
Protein context (NP_001009944.3, residues 3960-3980): DRQWTRFVRG[Arg3970His]PRRFTSFDQV